The following is an entry in ClinVar:

NC_000002.11:g.(?_228141081)_(228142289_?)dup

Gene: COL4A3 (collagen type IV alpha 3 chain; plus strand). Cytogenetic location: 2q36.3.
Variant type: Duplication.
Identifiers: ClinVar variation 2422343 (VCV002422343.4).

ClinVar aggregate classification (germline): Uncertain significance (1 of 4 stars; one submission).

Submission:

Labcorp Genetics (formerly Invitae), Labcorp
Classification: Uncertain significance. Last evaluated: 2023-05-23. Review status: criteria provided, single submitter. Criteria: Invitae Variant Classification Sherloc (09022015). Collection method: clinical testing. Allele origin: germline.
Comment: This variant results in a copy number gain of the genomic region encompassing exon(s) 27-28 of the COL4A3 gene. While the exact position of this variant cannot be determined from the data, sub-genic copy number gains are generally in tandem (PMID: 25640679). This variant is predicted to be in-frame, and likely preserves the integrity of the reading frame. In summary, the available evidence is currently insufficient to determine the role of this variant in disease. Therefore, it has been classified as a Variant of Uncertain Significance. Experimental studies and prediction algorithms are not available or were not evaluated, and the functional significance of this variant is currently unknown. This variant has not been reported in the literature in individuals affected with COL4A3-related conditions.

Literature cited by the submitters: PubMed 25640679.